The following is an entry in ClinVar:

ClinVar aggregate classification (germline): Uncertain significance (1 of 4 stars; one submission).

Conditions:
Duchenne muscular dystrophy (DMD). Also called: MUSCULAR DYSTROPHY, PSEUDOHYPERTROPHIC PROGRESSIVE, DUCHENNE TYPE; Duchenne Muscular Dystrophy (DMD). Identifiers: Orphanet 98896, MedGen C0013264, MONDO:0010679, OMIM 310200.

Submission:

Labcorp Genetics (formerly Invitae), Labcorp
Classification: Uncertain significance for Duchenne muscular dystrophy. Last evaluated: 2024-10-18. Review status: criteria provided, single submitter. Criteria: Invitae Variant Classification Sherloc (09022015). Collection method: clinical testing. Allele origin: germline.
Comment: This sequence change replaces threonine, which is neutral and polar, with isoleucine, which is neutral and non-polar, at codon 1595 of the DMD protein (p.Thr1595Ile). This variant is not present in population databases (gnomAD no frequency). This variant has not been reported in the literature in individuals affected with DMD-related conditions. Invitae Evidence Modeling of protein sequence and biophysical properties (such as structural, functional, and spatial information, amino acid conservation, physicochemical variation, residue mobility, and thermodynamic stability) indicates that this missense variant is not expected to disrupt DMD protein function with a negative predictive value of 95%. In summary, the available evidence is currently insufficient to determine the role of this variant in disease. Therefore, it has been classified as a Variant of Uncertain Significance.

NM_004006.3(DMD):c.4784C>T (p.Thr1595Ile)

Gene: DMD (dystrophin; minus strand). Cytogenetic location: Xp21.1.
Variant type: single nucleotide variant.
Coding change: c.4784C>T on transcript NM_004006.3 (MANE Select); coding-DNA position 4784, C replaced by T.
Protein change: p.Thr1595Ile; replaces threonine 1595 with isoleucine.
Molecular consequence: missense variant.
Genome position (GRCh38, 1-based): chrX:32,380,571, G>A on the plus strand (C>T on the coding strand, the complement: DMD is on the minus strand). VCF-style: chrX-32380571-G-A. GRCh37 (hg19) VCF-style: chrX-32398688-G-A.
Other names: c.4760C>T, p.Thr1587Ile (NM_000109.4); c.4772C>T, p.Thr1591Ile (NM_004009.3); c.4415C>T, p.Thr1472Ile (NM_004010.3); c.761C>T, p.Thr254Ile (NM_004011.4); c.752C>T, p.Thr251Ile (NM_004012.4); short protein forms T1587I, T1591I, T254I, T1595I, T1472I, T251I.
Identifiers: ClinVar variation 3681225 (VCV003681225.2).